The following is an entry in ClinVar:

ClinVar aggregate classification (germline): Uncertain significance (1 of 4 stars; one submission).

Submission:

GeneDx
Classification: Uncertain significance. Last evaluated: 2026-07-28. Review status: criteria provided, single submitter. Criteria: GeneDx Variant Classification Process June 2021. Collection method: clinical testing. Allele origin: germline.
Comment: Not observed at significant frequency in large population cohorts (gnomAD); In silico analysis suggests that this missense variant does not alter protein structure/function; Has not been previously published as pathogenic or benign to our knowledge

NM_177559.3(CSNK2A1):c.881G>A (p.Ser294Asn)

Gene: CSNK2A1 (casein kinase 2 alpha 1; minus strand). Cytogenetic location: 20p13.
Variant type: single nucleotide variant.
Coding change: c.881G>A on transcript NM_177559.3 (MANE Select); coding-DNA position 881, G replaced by A.
Protein change: p.Ser294Asn; replaces serine 294 with asparagine.
Molecular consequence: missense variant.
Genome position (GRCh38, 1-based): chr20:487,519, C>T on the plus strand (G>A on the coding strand, the complement: CSNK2A1 is on the minus strand). VCF-style: chr20-487519-C-T. GRCh37 (hg19) VCF-style: chr20-468163-C-T.
Other names: c.881G>A, p.Ser294Asn (NM_001362770.2, NM_001362771.2, NM_001895.4); c.473G>A, p.Ser158Asn (NM_177560.3); short protein forms S158N, S294N.
Identifiers: ClinVar variation 3903085 (VCV003903085.2).